The following is an entry in ClinVar:

ClinVar aggregate classification (germline): Likely pathogenic (1 of 4 stars; one submission).

Conditions:
PTPN4-related aberrant neurodevelopment and growth.

gnomAD v4.1: 1 of 1,563,448 alleles (0.000064%); highest among the groups gnomAD compares: African/African-American, 0.0014%; no homozygotes.

Submission:

Clinical Genomics Laboratory, Washington University in St. Louis
Classification: Likely pathogenic for PTPN4-related aberrant neurodevelopment and growth. Last evaluated: 2024-02-01. Review status: criteria provided, single submitter. Criteria: ACMG Guidelines, 2015. Collection method: clinical testing. Allele origin: germline. Affected: yes.
Comment: The PTPN4 c.538C>T (p.Gln180Ter) variant, to our knowledge, has not been reported in the medical literature and is only observed on 1/31380 alleles in the general population (gnomAD v.2.1.1), indicating it is not a common variant. This variant causes a premature termination codon, which is predicted to lead to nonsense mediated decay. Based on available information and the ACMG/AMP guidelines for variant interpretation (Richards S et al., PMID: 25741868), this variant is classified as likely pathogenic.

NM_002830.4(PTPN4):c.538C>T (p.Gln180Ter)

Gene: PTPN4 (protein tyrosine phosphatase non-receptor type 4; plus strand). Cytogenetic location: 2q14.2.
Variant type: single nucleotide variant.
Coding change: c.538C>T on transcript NM_002830.4 (MANE Select); coding-DNA position 538, C replaced by T.
Protein change: p.Gln180Ter; replaces glutamine 180 with a stop codon.
Molecular consequence: nonsense.
Genome position (GRCh38, 1-based): chr2:119,882,574, C>T. VCF-style: chr2-119882574-C-T. GRCh37 (hg19) VCF-style: chr2-120640150-C-T.
Other names: short protein forms Q180*.
Identifiers: ClinVar variation 3602584 (VCV003602584.1).